The following is an entry in ClinVar:

ClinVar aggregate classification (germline): Uncertain significance (1 of 4 stars; one submission).

gnomAD v4.1: 1 of 1,578,018 alleles (0.000063%); no homozygotes.

Submission:

Labcorp Genetics (formerly Invitae), Labcorp
Classification: Uncertain significance. Last evaluated: 2022-12-02. Review status: criteria provided, single submitter. Criteria: Invitae Variant Classification Sherloc (09022015). Collection method: clinical testing. Allele origin: germline.
Comment: In summary, the available evidence is currently insufficient to determine the role of this variant in disease. Therefore, it has been classified as a Variant of Uncertain Significance. Algorithms developed to predict the effect of missense changes on protein structure and function are either unavailable or do not agree on the potential impact of this missense change (SIFT: "Tolerated"; PolyPhen-2: "Possibly Damaging"; Align-GVGD: "Class C0"). ClinVar contains an entry for this variant (Variation ID: 1039481). This variant has not been reported in the literature in individuals affected with HSPG2-related conditions. This variant is not present in population databases (gnomAD no frequency). This sequence change replaces glycine, which is neutral and non-polar, with alanine, which is neutral and non-polar, at codon 1901 of the HSPG2 protein (p.Gly1901Ala).

NM_005529.7(HSPG2):c.5702G>C (p.Gly1901Ala)

Gene: HSPG2 (heparan sulfate proteoglycan 2; minus strand). Cytogenetic location: 1p36.12.
Variant type: single nucleotide variant.
Coding change: c.5702G>C on transcript NM_005529.7 (MANE Select); coding-DNA position 5702, G replaced by C.
Protein change: p.Gly1901Ala; replaces glycine 1901 with alanine.
Molecular consequence: missense variant.
Genome position (GRCh38, 1-based): chr1:21,855,675, C>G on the plus strand (G>C on the coding strand, the complement: HSPG2 is on the minus strand). VCF-style: chr1-21855675-C-G. GRCh37 (hg19) VCF-style: chr1-22182168-C-G.
Other names: c.5705G>C, p.Gly1902Ala (NM_001291860.2); short protein forms G1901A, G1902A.
Identifiers: ClinVar variation 1039481 (VCV001039481.8), dbSNP rs754630224, ClinGen allele CA338938243.
Genomic context (GRCh38, chr1:21,855,675, plus strand): 5'-GGCAGGCGCAGGATGCCGCCGTGGATTTGTGCCTTCGCAGGGAGCTGGCCGCCGGGGCCC[C>G]CTGACGAGTAGACGTGGGGTCAGCACCCACCAAGCCTGCTCAGAGTCCTGCCCCTCCCCT-3'
Protein context (NP_005520.4, residues 1891-1911): GSPTPTLEWT[Gly1901Ala]GPGGQLPAKA